The following is an entry in ClinVar:

ClinVar aggregate classification (germline): Uncertain significance. Review status: criteria provided, multiple submitters, no conflicts (2 of 4 stars). 2 submissions from 2 submitters: Uncertain significance (2). Last evaluated 2022-06-14.

Conditions:
Dalmatian hypouricemia (RHUC1). Identifiers: MedGen C0473219, MONDO:0020728, OMIM 220150.

Allele frequency attached by ClinVar (database versions not stated): ExAC 0.00002; gnomAD exomes 0.00002; gnomAD 0.00004 and 0.00005; TOPMed 0.00007; ESP Exome Variant Server 0.00008.
gnomAD v4.1: 39 of 1,612,750 alleles (0.0024%); highest among the groups gnomAD compares: African/African-American, 0.0067%; no homozygotes.

Submissions (2):

Labcorp Genetics (formerly Invitae), Labcorp
Classification: Uncertain significance. Last evaluated: 2022-06-14. Review status: criteria provided, single submitter. Criteria: Invitae Variant Classification Sherloc (09022015). Collection method: clinical testing. Allele origin: germline.
Comment: This sequence change replaces arginine, which is basic and polar, with cysteine, which is neutral and slightly polar, at codon 347 of the SLC22A12 protein (p.Arg347Cys). This variant is present in population databases (rs374858585, gnomAD 0.006%). This variant has not been reported in the literature in individuals affected with SLC22A12-related conditions. Algorithms developed to predict the effect of missense changes on protein structure and function output the following: SIFT: "Tolerated"; PolyPhen-2: "Benign"; Align-GVGD: "Class C0". The cysteine amino acid residue is found in multiple mammalian species, which suggests that this missense change does not adversely affect protein function. In summary, the available evidence is currently insufficient to determine the role of this variant in disease. Therefore, it has been classified as a Variant of Uncertain Significance.

Fulgent Genetics
Classification: Uncertain significance for Dalmatian hypouricemia. Last evaluated: 2021-11-20. Review status: criteria provided, single submitter. Criteria: ACMG Guidelines, 2015. Collection method: clinical testing. Allele origin: unknown.

NM_144585.4(SLC22A12):c.1039C>T (p.Arg347Cys)

Gene: SLC22A12 (solute carrier family 22 member 12; plus strand). Cytogenetic location: 11q13.1.
Variant type: single nucleotide variant.
Coding change: c.1039C>T on transcript NM_144585.4 (MANE Select); coding-DNA position 1039, C replaced by T.
Protein change: p.Arg347Cys; replaces arginine 347 with cysteine.
Molecular consequence: missense variant.
Genome position (GRCh38, 1-based): chr11:64,598,892, C>T. VCF-style: chr11-64598892-C-T. GRCh37 (hg19) VCF-style: chr11-64366364-C-T.
Other names: c.937C>T, p.Arg313Cys (NM_001276326.2); c.715C>T, p.Arg239Cys (NM_001276327.2); c.376C>T, p.Arg126Cys (NM_153378.3); short protein forms R239C, R126C, R313C, R347C.
Identifiers: ClinVar variation 1485008 (VCV001485008.8), dbSNP rs374858585, ClinGen allele CA6077277.